The following is an entry in ClinVar:

NC_000023.10:g.(?_31164388)_(31165655_?)del

Gene: DMD (dystrophin; minus strand). Cytogenetic location: Xp21.2.
Variant type: Deletion.
Identifiers: ClinVar variation 2424938 (VCV002424938.5).

ClinVar aggregate classification (germline): Pathogenic (1 of 4 stars; one submission).

Conditions:
Duchenne muscular dystrophy (DMD). Also called: Duchenne Muscular Dystrophy (DMD); MUSCULAR DYSTROPHY, PSEUDOHYPERTROPHIC PROGRESSIVE, DUCHENNE TYPE. Identifiers: Orphanet 98896, MedGen C0013264, MONDO:0010679, OMIM 310200.

Submission:

Labcorp Genetics (formerly Invitae), Labcorp
Classification: Pathogenic for Duchenne muscular dystrophy. Last evaluated: 2023-07-19. Review status: criteria provided, single submitter. Criteria: Invitae Variant Classification Sherloc (09022015). Collection method: clinical testing. Allele origin: germline.
Comment: For these reasons, this variant has been classified as Pathogenic. A similar copy number variant has been observed in individual(s) with clinical features of dystrophinopathy (PMID: 19602481, 26718981). This variant is a gross deletion of the genomic region encompassing exon(s) 75-76 of the DMD gene. This deletion is out-of-frame, and is expected to create a premature termination codon and result in an absent or disrupted protein product. Loss-of-function variants in DMD are known to be pathogenic (PMID: 16770791, 25007885).

Literature cited by the submitters: PubMed 19602481; PubMed 26718981; PubMed 16770791; PubMed 25007885.